The following is an entry in ClinVar:

ClinVar aggregate classification (germline): Benign/Likely benign (0 of 4 stars; one submission).

Submission:

GeneDx
Classification: Benign/Likely benign. Last evaluated: 2011-04-30. Review status: no assertion criteria provided. Collection method: clinical testing. Allele origin: not provided. Affected: yes. Observed: 2 variant alleles.
Comment: Likely benign (1), Benign (1)

GRCh38/hg38 20q13.12(chr20:45722054-45741776)x1

Gene: SPINT4 (serine peptidase inhibitor, Kunitz type 4; plus strand). Cytogenetic location: 20q13.12.
Variant type: copy number loss.
Change: copy number 1 (one copy instead of two) of chr20:45,722,054-45,741,776 (19.7 kb, GRCh38 coordinates, 1-based), cytogenetic band 20q13.12.
Identifiers: ClinVar variation 145195 (VCV000145195.1).